The following is an entry in ClinVar:

ClinVar aggregate classification (germline): Pathogenic (1 of 4 stars; one submission).

Conditions:
Primary ciliary dyskinesia. Also called: Ciliary dyskinesia. Identifiers: Orphanet 244, MedGen C0008780, MONDO:0016575, HP:0012265.

Submission:

Labcorp Genetics (formerly Invitae), Labcorp
Classification: Pathogenic for Primary ciliary dyskinesia. Last evaluated: 2023-03-21. Review status: criteria provided, single submitter. Criteria: Invitae Variant Classification Sherloc (09022015). Collection method: clinical testing. Allele origin: germline.
Comment: This sequence change creates a premature translational stop signal (p.Leu365Alafs*13) in the DNAI1 gene. It is expected to result in an absent or disrupted protein product. Loss-of-function variants in DNAI1 are known to be pathogenic (PMID: 16858015, 29363216). This variant is not present in population databases (gnomAD no frequency). This variant has not been reported in the literature in individuals affected with DNAI1-related conditions. For these reasons, this variant has been classified as Pathogenic.

Literature cited by the submitters: PubMed 16858015; PubMed 29363216.

NM_012144.4(DNAI1):c.1092dup (p.Leu365fs)

Gene: DNAI1 (dynein axonemal intermediate chain 1; plus strand). Cytogenetic location: 9p13.3.
Variant type: Duplication.
Coding change: c.1092dup on transcript NM_012144.4 (MANE Select); coding-DNA position 1092, one base duplicated (G; older notation c.1092dupG).
Protein change: p.Leu365fs; shifts the reading frame from leucine 365.
Molecular consequence: frameshift variant.
Genome position (GRCh38, 1-based): chr9:34,506,655, G duplicated. VCF-style (leftmost placement, unchanged base first): chr9-34506654-T-TG. GRCh37 (hg19) VCF-style: chr9-34506652-T-TG.
Other names: c.1104dup, p.Leu369fs (NM_001281428.2); short protein forms L369fs, L365fs.
Identifiers: ClinVar variation 2845597 (VCV002845597.3), dbSNP rs2492094676, ClinGen allele CA2739269220.